The following is an entry in ClinVar:

ClinVar aggregate classification (germline): Benign/Likely benign. Review status: criteria provided, multiple submitters, no conflicts (2 of 4 stars). 7 submissions from 7 submitters: Benign (5); Likely benign (2). Last evaluated 2025-01-06.

Conditions:
Koolen-de Vries syndrome (KDVS). Identifiers: Orphanet 96169, MedGen C1864871, MONDO:0012496, OMIM 610443.

Allele frequency attached by ClinVar (database versions not stated): 1000 Genomes Project 0.00140; 1000 Genomes Project 30x 0.00141; gnomAD 0.00156; ESP Exome Variant Server 0.00177; TOPMed 0.00203.
gnomAD v4.1: 552 of 1,612,532 alleles (0.034%); highest among the groups gnomAD compares: African/African-American, 0.62%; 2 homozygotes.

Submissions (7):

Labcorp Genetics (formerly Invitae), Labcorp
Classification: Benign for Koolen-de Vries syndrome. Last evaluated: 2025-01-06. Review status: criteria provided, single submitter. Criteria: Invitae Variant Classification Sherloc (09022015). Collection method: clinical testing. Allele origin: germline.

CeGaT Center for Human Genetics Tuebingen
Classification: Likely benign. Last evaluated: 2023-04-01. Review status: criteria provided, single submitter. Criteria: CeGaT Center For Human Genetics Tuebingen Variant Classification Criteria Version 2. Collection method: clinical testing. Allele origin: germline. Affected: yes. Observed: 1 variant allele.
Comment: KANSL1: BP4, BS1

Fulgent Genetics
Classification: Likely benign for Koolen-de Vries syndrome. Last evaluated: 2021-07-26. Review status: criteria provided, single submitter. Criteria: ACMG Guidelines, 2015. Collection method: clinical testing. Allele origin: unknown.

Athena Diagnostics
Classification: Benign. Last evaluated: 2018-11-29. Review status: criteria provided, single submitter. Criteria: Athena Diagnostics Criteria. Collection method: clinical testing. Allele origin: germline.

Center for Pediatric Genomic Medicine, Children's Mercy Hospital and Clinics
Classification: Benign. Last evaluated: 2017-06-16. Review status: criteria provided, single submitter. Criteria: ACMG Guidelines, 2015. Collection method: clinical testing. Allele origin: germline.

GeneDx
Classification: Benign. Last evaluated: 2016-08-08. Review status: criteria provided, single submitter. Criteria: GeneDx Variant Classification (06012015). Collection method: clinical testing. Allele origin: germline. Affected: yes.
Comment: This variant is considered likely benign or benign based on one or more of the following criteria: it is a conservative change, it occurs at a poorly conserved position in the protein, it is predicted to be benign by multiple in silico algorithms, and/or has population frequency not consistent with disease.

Breakthrough Genomics
Classification: Benign. Review status: criteria provided, single submitter. Criteria: ACMG Guidelines, 2015. Collection method: not provided. Allele origin: germline. Inheritance: Autosomal dominant inheritance. Affected: yes.

NM_015443.4(KANSL1):c.607G>C (p.Gly203Arg)

Gene: KANSL1 (KAT8 regulatory NSL complex subunit 1). Cytogenetic location: 17q21.31.
Variant type: single nucleotide variant.
Coding change: c.607G>C on transcript NM_015443.4 (MANE Select); coding-DNA position 607, G replaced by C.
Protein change: p.Gly203Arg; replaces glycine 203 with arginine.
Molecular consequence: missense variant.
Genome position (GRCh38, 1-based): chr17:46,171,537, C>G on the plus strand (G>C on the coding strand, the complement: KANSL1 is on the minus strand). VCF-style: chr17-46171537-C-G. GRCh37 (hg19) VCF-style: chr17-44248903-C-G.
Other names: c.607G>C, p.Gly203Arg (NM_001193465.2, NM_001193466.2, NM_001379198.1); short protein forms G203R.
Identifiers: ClinVar variation 323794 (VCV000323794.39), dbSNP rs138175526, ClinGen allele CA8619017.